The following is an entry in ClinVar:

NM_000081.4(LYST):c.1109A>G (p.Gln370Arg)

Gene: LYST (lysosomal trafficking regulator; minus strand). Cytogenetic location: 1q42.3.
Variant type: single nucleotide variant.
Coding change: c.1109A>G on transcript NM_000081.4 (MANE Select); coding-DNA position 1109, A replaced by G.
Protein change: p.Gln370Arg; replaces glutamine 370 with arginine.
Molecular consequence: missense variant.
Genome position (GRCh38, 1-based): chr1:235,809,709, T>C on the plus strand (A>G on the coding strand, the complement: LYST is on the minus strand). VCF-style: chr1-235809709-T-C. GRCh37 (hg19) VCF-style: chr1-235973009-T-C.
Other names: c.1109A>G, p.Gln370Arg (NM_001301365.1); short protein forms Q370R.
Identifiers: ClinVar variation 1990610 (VCV001990610.1), dbSNP rs575246194, ClinGen allele CA39618003.

ClinVar aggregate classification (germline): Uncertain significance (1 of 4 stars; one submission).

Conditions:
Chédiak-Higashi syndrome (CHS). Also called: Chediak-Higashi Syndrome. Identifiers: Orphanet 167, MedGen C0007965, MONDO:0008963, OMIM 214500.

Allele frequency attached by ClinVar (database versions not stated): 1000 Genomes Project 30x 0.00016; 1000 Genomes Project 0.00020.
gnomAD v4.1: 3 of 1,613,686 alleles (0.00019%); highest among the groups gnomAD compares: East Asian, 0.0067%; no homozygotes.

Submission:

Labcorp Genetics (formerly Invitae), Labcorp
Classification: Uncertain significance for Chédiak-Higashi syndrome. Last evaluated: 2022-08-14. Review status: criteria provided, single submitter. Criteria: Invitae Variant Classification Sherloc (09022015). Collection method: clinical testing. Allele origin: germline.
Comment: This sequence change replaces glutamine, which is neutral and polar, with arginine, which is basic and polar, at codon 370 of the LYST protein (p.Gln370Arg). This variant is not present in population databases (gnomAD no frequency). This variant has not been reported in the literature in individuals affected with LYST-related conditions. Algorithms developed to predict the effect of missense changes on protein structure and function are either unavailable or do not agree on the potential impact of this missense change (SIFT: "Tolerated"; PolyPhen-2: "Probably Damaging"; Align-GVGD: "Class C0"). In summary, the available evidence is currently insufficient to determine the role of this variant in disease. Therefore, it has been classified as a Variant of Uncertain Significance.